The following is an entry in ClinVar:

NM_001844.5(COL2A1):c.2048A>G (p.Gln683Arg)

Gene: COL2A1 (collagen type II alpha 1 chain; minus strand). Cytogenetic location: 12q13.11.
Variant type: single nucleotide variant.
Coding change: c.2048A>G on transcript NM_001844.5 (MANE Select); coding-DNA position 2048, A replaced by G.
Protein change: p.Gln683Arg; replaces glutamine 683 with arginine.
Molecular consequence: missense variant.
Genome position (GRCh38, 1-based): chr12:47,983,386, T>C on the plus strand (A>G on the coding strand, the complement: COL2A1 is on the minus strand). VCF-style: chr12-47983386-T-C. GRCh37 (hg19) VCF-style: chr12-48377169-T-C.
Other names: c.1841A>G, p.Gln614Arg (NM_033150.3); short protein forms Q683R, Q614R.
Identifiers: ClinVar variation 1437194 (VCV001437194.6), dbSNP rs1939203203, ClinGen allele CA384547787.

ClinVar aggregate classification (germline): Uncertain significance (1 of 4 stars; one submission).

Submission:

Labcorp Genetics (formerly Invitae), Labcorp
Classification: Uncertain significance. Last evaluated: 2021-10-03. Review status: criteria provided, single submitter. Criteria: Invitae Variant Classification Sherloc (09022015). Collection method: clinical testing. Allele origin: germline.
Comment: This variant is not present in population databases (ExAC no frequency). This sequence change replaces glutamine with arginine at codon 683 of the COL2A1 protein (p.Gln683Arg). The glutamine residue is highly conserved and there is a small physicochemical difference between glutamine and arginine. This variant has not been reported in the literature in individuals affected with COL2A1-related conditions. In summary, the available evidence is currently insufficient to determine the role of this variant in disease. Therefore, it has been classified as a Variant of Uncertain Significance. Algorithms developed to predict the effect of missense changes on protein structure and function are either unavailable or do not agree on the potential impact of this missense change (SIFT: "Deleterious"; PolyPhen-2: "Benign"; Align-GVGD: "Class C35").